The following is an entry in ClinVar:

NM_012193.4(FZD4):c.1009C>A (p.His337Asn)

Genes: FZD4 (frizzled class receptor 4; minus strand), PRSS23 (serine protease 23; plus strand). Cytogenetic location: 11q14.2.
Variant type: single nucleotide variant.
Coding change: c.1009C>A on transcript NM_012193.4 (MANE Select); coding-DNA position 1009, C replaced by A.
Protein change: p.His337Asn; replaces histidine 337 with asparagine.
Molecular consequence: missense variant. On other transcripts: non-coding transcript variant (2).
Genome position (GRCh38, 1-based): chr11:86,951,747, G>T on the plus strand (C>A on the coding strand, the complement: FZD4 is on the minus strand). VCF-style: chr11-86951747-G-T. GRCh37 (hg19) VCF-style: chr11-86662789-G-T.
Other names: short protein forms H337N.
Identifiers: ClinVar variation 497650 (VCV000497650.19), dbSNP rs146895719, ClinGen allele CA6218391.

ClinVar aggregate classification (germline): Conflicting classifications of pathogenicity. Review status: criteria provided, conflicting classifications (1 of 4 stars). 5 submissions from 5 submitters: Uncertain significance (4); Benign (1). Last evaluated 2025-02-26.

Conditions:
Inborn genetic diseases. Identifiers: MedGen C0950123, MeSH D030342.
Exudative vitreoretinopathy 1 (EVR1). Also called: CRISWICK-SCHEPENS SYNDROME; FEVR, AUTOSOMAL DOMINANT; Familial exudative vitreoretinopathy, autosomal dominant. Identifiers: Orphanet 891, Orphanet 90050, MedGen C1851402, MONDO:0007589, OMIM 133780.

Allele frequency attached by ClinVar (database versions not stated): gnomAD 0.00005 and 0.00006; TOPMed 0.00006; gnomAD exomes 0.00007 and 0.00012; ExAC 0.00012; ESP Exome Variant Server 0.00015.
gnomAD v4.1: 184 of 1,614,036 alleles (0.011%); highest among the groups gnomAD compares: Non-Finnish European, 0.014%; no homozygotes.

Submissions (5):

Ambry Genetics
Classification: Uncertain significance for Inborn genetic diseases. Last evaluated: 2025-02-26. Review status: criteria provided, single submitter. Criteria: Ambry Variant Classification Scheme 2023. Collection method: clinical testing. Allele origin: germline.

Labcorp Genetics (formerly Invitae), Labcorp
Classification: Uncertain significance. Last evaluated: 2024-10-27. Review status: criteria provided, single submitter. Criteria: Invitae Variant Classification Sherloc (09022015). Collection method: clinical testing. Allele origin: germline.
Comment: This sequence change replaces histidine, which is basic and polar, with asparagine, which is neutral and polar, at codon 337 of the FZD4 protein (p.His337Asn). This variant is present in population databases (rs146895719, gnomAD 0.02%). This variant has not been reported in the literature in individuals affected with FZD4-related conditions. ClinVar contains an entry for this variant (Variation ID: 497650). Invitae Evidence Modeling of protein sequence and biophysical properties (such as structural, functional, and spatial information, amino acid conservation, physicochemical variation, residue mobility, and thermodynamic stability) indicates that this missense variant is not expected to disrupt FZD4 protein function with a negative predictive value of 80%. In summary, the available evidence is currently insufficient to determine the role of this variant in disease. Therefore, it has been classified as a Variant of Uncertain Significance.

Blueprint Genetics
Classification: Uncertain significance. Last evaluated: 2022-10-17. Review status: criteria provided, single submitter. Criteria: ACMG Guidelines, 2015. Collection method: clinical testing. Allele origin: germline.

Illumina Laboratory Services, Illumina
Classification: Benign for Exudative vitreoretinopathy 1. Last evaluated: 2018-01-13. Review status: criteria provided, single submitter. Criteria: ICSL Variant Classification Criteria 13 December 2019. Collection method: clinical testing. Allele origin: germline.
Comment: This variant was observed in the ICSL laboratory as part of a predisposition screen in an ostensibly healthy population. It had not been previously curated by ICSL or reported in the Human Gene Mutation Database (HGMD: prior to June 1st, 2018), and was therefore a candidate for classification through an automated scoring system. Utilizing variant allele frequency, disease prevalence and penetrance estimates, and inheritance mode, an automated score was calculated to assess if this variant is too frequent to cause the disease. Based on the score and internal cut-off values, a variant classified as benign is not then subjected to further curation. The score for this variant resulted in a classification of benign for this disease.

Eurofins Ntd Llc (ga)
Classification: Uncertain significance. Last evaluated: 2016-11-11. Review status: criteria provided, single submitter. Criteria: EGL Classification Definitions 2015. Collection method: clinical testing. Allele origin: germline. Observed: 1 variant allele, 1 heterozygote.